The following is an entry in ClinVar:

ClinVar aggregate classification (germline): Uncertain significance. Review status: criteria provided, multiple submitters, no conflicts (2 of 4 stars). 4 submissions from 4 submitters: Uncertain significance (4). Last evaluated 2023-11-01.

Conditions:
Timothy syndrome (TS). Also called: LONG QT SYNDROME WITH SYNDACTYLY. Identifiers: Orphanet 65283, MedGen C1832916, MeSH C536962, MONDO:0010979, OMIM 601005.
Cardiovascular phenotype. Identifiers: MedGen CN230736.

Allele frequency attached by ClinVar (database versions not stated): gnomAD exomes below 0.00001; TOPMed below 0.00001.
gnomAD v4.1: 3 of 1,562,088 alleles (0.00019%); highest among the groups gnomAD compares: Middle Eastern, 0.017%; no homozygotes.

Submissions (4):

CeGaT Center for Human Genetics Tuebingen
Classification: Uncertain significance. Last evaluated: 2023-11-01. Review status: criteria provided, single submitter. Criteria: CeGaT Center For Human Genetics Tuebingen Variant Classification Criteria Version 2. Collection method: clinical testing. Allele origin: germline. Affected: yes. Observed: 1 variant allele.
Comment: CACNA1C: PM2

Ambry Genetics
Classification: Uncertain significance for Cardiovascular phenotype. Last evaluated: 2021-09-01. Review status: criteria provided, single submitter. Criteria: Ambry Variant Classification Scheme 2023. Collection method: clinical testing. Allele origin: germline.

Baylor Genetics
Classification: Uncertain significance for Timothy syndrome. Last evaluated: 2019-08-21. Review status: criteria provided, single submitter. Criteria: ACMG Guidelines, 2015. Collection method: clinical testing. Allele origin: unknown. Affected: yes.
Comment: This variant was determined to be of uncertain significance according to ACMG Guidelines, 2015 [PMID:25741868].

Eurofins Ntd Llc (ga)
Classification: Uncertain significance. Last evaluated: 2016-12-16. Review status: criteria provided, single submitter. Criteria: EGL Classification Definitions 2015. Collection method: clinical testing. Allele origin: germline. Observed: 1 variant allele, 1 heterozygote.

NM_000719.7(CACNA1C):c.5435G>A (p.Ser1812Asn)

Genes: CACNA1C (calcium voltage-gated channel subunit alpha1 C; plus strand), CACNA1C-AS1 (CACNA1C antisense RNA 1; minus strand). Cytogenetic location: 12p13.33.
Variant type: single nucleotide variant.
Coding change: c.5435G>A on transcript NM_000719.7 (MANE Select); coding-DNA position 5435, G replaced by A.
Protein change: p.Ser1812Asn; replaces serine 1812 with asparagine.
Molecular consequence: missense variant.
Genome position (GRCh38, 1-based): chr12:2,679,787, G>A. VCF-style: chr12-2679787-G-A. GRCh37 (hg19) VCF-style: chr12-2788953-G-A.
Other names: c.5579G>A, p.Ser1860Asn (NM_001129827.2, NM_199460.4); c.5558G>A, p.Ser1853Asn (NM_001129829.2); c.5435G>A, p.Ser1812Asn (NM_001129830.3, NM_001129840.2, NM_001129841.2 and 4 more transcripts); c.5519G>A, p.Ser1840Asn (NM_001129831.2); c.5495G>A, p.Ser1832Asn (NM_001129832.2); c.5492G>A, p.Ser1831Asn (NM_001129833.2, NM_001129834.2, NM_001129835.2); c.5486G>A, p.Ser1829Asn (NM_001129836.2); c.5459G>A, p.Ser1820Asn (NM_001129837.2, NM_001129838.2); and 3 more; short protein forms S1812N, S1860N, S1829N, S1801N, S1809N, S1820N, S1832N, S1853N.
Identifiers: ClinVar variation 499185 (VCV000499185.32), dbSNP rs1556123007, ClinGen allele CA383379333.